The following is an entry in ClinVar:

ClinVar aggregate classification (germline): Uncertain significance (1 of 4 stars; one submission).

Conditions:
Combined immunodeficiency due to DOCK8 deficiency (HIES2). Also called: HIES autosomal recessive; Hyper-IgE recurrent infection syndrome, autosomal recessive; HYPER-IgE SYNDROME 2, AUTOSOMAL RECESSIVE, WITH RECURRENT INFECTIONS; HYPER-IgE RECURRENT INFECTION SYNDROME 2, AUTOSOMAL RECESSIVE; DOCK8 Deficiency. Identifiers: Orphanet 217390, MedGen C4722305, MONDO:0009478, OMIM 243700.

gnomAD v4.1: 1 of 1,614,136 alleles (0.000062%); no homozygotes.

Submission:

Labcorp Genetics (formerly Invitae), Labcorp
Classification: Uncertain significance for Combined immunodeficiency due to DOCK8 deficiency. Last evaluated: 2022-07-19. Review status: criteria provided, single submitter. Criteria: Invitae Variant Classification Sherloc (09022015). Collection method: clinical testing. Allele origin: germline.
Comment: Algorithms developed to predict the effect of missense changes on protein structure and function are either unavailable or do not agree on the potential impact of this missense change (SIFT: "Tolerated"; PolyPhen-2: "Possibly Damaging"; Align-GVGD: "Class C0"). In summary, the available evidence is currently insufficient to determine the role of this variant in disease. Therefore, it has been classified as a Variant of Uncertain Significance. ClinVar contains an entry for this variant (Variation ID: 1462440). This variant has not been reported in the literature in individuals affected with DOCK8-related conditions. This variant is not present in population databases (gnomAD no frequency). This sequence change replaces alanine, which is neutral and non-polar, with threonine, which is neutral and polar, at codon 888 of the DOCK8 protein (p.Ala888Thr).

NM_203447.4(DOCK8):c.2662G>A (p.Ala888Thr)

Gene: DOCK8 (dedicator of cytokinesis 8; plus strand). Cytogenetic location: 9p24.3.
Variant type: single nucleotide variant.
Coding change: c.2662G>A on transcript NM_203447.4 (MANE Select); coding-DNA position 2662, G replaced by A.
Protein change: p.Ala888Thr; replaces alanine 888 with threonine.
Molecular consequence: missense variant.
Genome position (GRCh38, 1-based): chr9:382,569, G>A. VCF-style: chr9-382569-G-A. GRCh37 (hg19) VCF-style: chr9-382569-G-A.
Other names: c.2458G>A, p.Ala820Thr (NM_001190458.2, NM_001193536.2); short protein forms A820T, A888T.
Identifiers: ClinVar variation 1462440 (VCV001462440.6), dbSNP rs2131298209, ClinGen allele CA372765239.